The following is an entry in ClinVar:

NM_000094.4(COL7A1):c.5800G>A (p.Gly1934Arg)

Gene: COL7A1 (collagen type VII alpha 1 chain; minus strand). Cytogenetic location: 3p21.31.
Variant type: single nucleotide variant.
Coding change: c.5800G>A on transcript NM_000094.4 (MANE Select); coding-DNA position 5800, G replaced by A.
Protein change: p.Gly1934Arg; replaces glycine 1934 with arginine.
Molecular consequence: missense variant.
Genome position (GRCh38, 1-based): chr3:48,576,269, C>T on the plus strand (G>A on the coding strand, the complement: COL7A1 is on the minus strand). VCF-style: chr3-48576269-C-T. GRCh37 (hg19) VCF-style: chr3-48613702-C-T.
Other names: short protein forms G1934R.
Identifiers: ClinVar variation 2747454 (VCV002747454.3), dbSNP rs2530992181, ClinGen allele CA352666127.

ClinVar aggregate classification (germline): Uncertain significance (1 of 4 stars; one submission).

Submission:

Labcorp Genetics (formerly Invitae), Labcorp
Classification: Uncertain significance. Last evaluated: 2023-08-01. Review status: criteria provided, single submitter. Criteria: Invitae Variant Classification Sherloc (09022015). Collection method: clinical testing. Allele origin: germline.
Comment: This sequence change replaces glycine, which is neutral and non-polar, with arginine, which is basic and polar, at codon 1934 of the COL7A1 protein (p.Gly1934Arg). In summary, the available evidence is currently insufficient to determine the role of this variant in disease. Therefore, it has been classified as a Variant of Uncertain Significance. Advanced modeling of protein sequence and biophysical properties (such as structural, functional, and spatial information, amino acid conservation, physicochemical variation, residue mobility, and thermodynamic stability) performed at Invitae indicates that this missense variant is expected to disrupt COL7A1 protein function. This variant has not been reported in the literature in individuals affected with COL7A1-related conditions. This variant is not present in population databases (gnomAD no frequency).